The following is an entry in ClinVar:

NM_176824.3(BBS7):c.430G>A (p.Gly144Arg)

Gene: BBS7 (Bardet-Biedl syndrome 7; minus strand). Cytogenetic location: 4q27.
Variant type: single nucleotide variant.
Coding change: c.430G>A on transcript NM_176824.3 (MANE Select); coding-DNA position 430, G replaced by A.
Protein change: p.Gly144Arg; replaces glycine 144 with arginine.
Molecular consequence: missense variant.
Genome position (GRCh38, 1-based): chr4:121,859,090, C>T on the plus strand (G>A on the coding strand, the complement: BBS7 is on the minus strand). VCF-style: chr4-121859090-C-T. GRCh37 (hg19) VCF-style: chr4-122780245-C-T.
Other names: c.430G>A, p.Gly144Arg (NM_018190.4); short protein forms G144R.
Identifiers: ClinVar variation 4810949 (VCV004810949.1).

ClinVar aggregate classification (germline): Uncertain significance (1 of 4 stars; one submission).

Conditions:
Bardet-Biedl syndrome (BBS). Identifiers: Orphanet 110, MedGen C0752166, MONDO:0015229.

Submission:

Labcorp Genetics (formerly Invitae), Labcorp
Classification: Uncertain significance for Bardet-Biedl syndrome. Last evaluated: 2025-10-10. Review status: criteria provided, single submitter. Criteria: Invitae Variant Classification Sherloc (09022015). Collection method: clinical testing. Allele origin: germline.
Comment: This sequence change replaces glycine, which is neutral and non-polar, with arginine, which is basic and polar, at codon 144 of the BBS7 protein (p.Gly144Arg). This variant is not present in population databases (gnomAD no frequency). This variant has not been reported in the literature in individuals affected with BBS7-related conditions. Invitae Evidence Modeling of protein sequence and biophysical properties (such as structural, functional, and spatial information, amino acid conservation, physicochemical variation, residue mobility, and thermodynamic stability) indicates that this missense variant is not expected to disrupt BBS7 protein function with a negative predictive value of 80%. Algorithms developed to predict the effect of sequence changes on RNA splicing suggest that this variant may disrupt the consensus splice site. In summary, the available evidence is currently insufficient to determine the role of this variant in disease. Therefore, it has been classified as a Variant of Uncertain Significance.